The following is an entry in ClinVar:

ClinVar aggregate classification (germline): Uncertain significance (1 of 4 stars; one submission).

Conditions:
Congenital myotonia, autosomal recessive form. Also called: BECKER DISEASE; Becker Generalized Myotonia; myotonia congenita, autosomal recessive. Identifiers: Orphanet 614, MedGen C0751360, MONDO:0009715, OMIM 255700.
Congenital myotonia, autosomal dominant form (THD). Also called: THOMSEN DISEASE; Myotonia congenita autosomal dominant. Identifiers: Orphanet 614, MedGen C2936781, MONDO:0008055, OMIM 160800.

Submission:

Labcorp Genetics (formerly Invitae), Labcorp
Classification: Uncertain significance for Congenital myotonia, autosomal recessive form; Congenital myotonia, autosomal dominant form. Last evaluated: 2022-06-14. Review status: criteria provided, single submitter. Criteria: Invitae Variant Classification Sherloc (09022015). Collection method: clinical testing. Allele origin: germline.
Comment: This sequence change falls in intron 20 of the CLCN1 gene. It does not directly change the encoded amino acid sequence of the CLCN1 protein. It affects a nucleotide within the consensus splice site. This variant is not present in population databases (gnomAD no frequency). This variant has not been reported in the literature in individuals affected with CLCN1-related conditions. Variants that disrupt the consensus splice site are a relatively common cause of aberrant splicing (PMID: 17576681, 9536098). Algorithms developed to predict the effect of sequence changes on RNA splicing suggest that this variant is not likely to affect RNA splicing. In summary, the available evidence is currently insufficient to determine the role of this variant in disease. Therefore, it has been classified as a Variant of Uncertain Significance.

Literature cited by the submitters: PubMed 17576681; PubMed 9536098.

NM_000083.3(CLCN1):c.2403+3G>A

Gene: CLCN1 (chloride voltage-gated channel 1; plus strand). Cytogenetic location: 7q34.
Variant type: single nucleotide variant.
Coding change: c.2403+3G>A on transcript NM_000083.3 (MANE Select); 3 bases into the intron after coding-DNA position 2403, G replaced by A.
Molecular consequence: intron variant.
Genome position (GRCh38, 1-based): chr7:143,346,952, G>A. VCF-style: chr7-143346952-G-A. GRCh37 (hg19) VCF-style: chr7-143044045-G-A.
Identifiers: ClinVar variation 2006236 (VCV002006236.1), dbSNP rs2485438612, ClinGen allele CA645545733.